The following is an entry in ClinVar:

NM_033026.6(PCLO):c.10250C>G (p.Ala3417Gly)

Gene: PCLO (piccolo presynaptic cytomatrix protein; minus strand). Cytogenetic location: 7q21.11.
Variant type: single nucleotide variant.
Coding change: c.10250C>G on transcript NM_033026.6 (MANE Select); coding-DNA position 10250, C replaced by G.
Protein change: p.Ala3417Gly; replaces alanine 3417 with glycine.
Molecular consequence: missense variant.
Genome position (GRCh38, 1-based): chr7:82,950,338, G>C on the plus strand (C>G on the coding strand, the complement: PCLO is on the minus strand). VCF-style: chr7-82950338-G-C. GRCh37 (hg19) VCF-style: chr7-82579654-G-C.
Other names: c.10250C>G, p.Ala3417Gly (NM_014510.3); short protein forms A3417G.
Identifiers: ClinVar variation 1416493 (VCV001416493.8), dbSNP rs2116420623, ClinGen allele CA367904823.
Genomic context (GRCh38, chr7:82,950,338, plus strand): 5'-AAACTTCGGGGATCATCTGTCATATTTTCTCCCATGTCATCATACTGTCCTCGGACTTTA[G>C]CTCCAGAACTTCTCTTTTTGGGTTGTTTTTCCTCTTTCACAACAACATCTGTTAGAGGTA-3'
Protein context (NP_149015.2, residues 3407-3427): EKQPKKRSSG[Ala3417Gly]KVRGQYDDMG

ClinVar aggregate classification (germline): Uncertain significance (1 of 4 stars; one submission).

Allele frequency attached by ClinVar (database versions not stated): gnomAD exomes below 0.00001.
gnomAD v4.1: 1 of 1,613,568 alleles (0.000062%); highest among the groups gnomAD compares: Non-Finnish European, 0.000085%; no homozygotes.

Submission:

Labcorp Genetics (formerly Invitae), Labcorp
Classification: Uncertain significance. Last evaluated: 2021-04-25. Review status: criteria provided, single submitter. Criteria: Invitae Variant Classification Sherloc (09022015). Collection method: clinical testing. Allele origin: germline.
Comment: This variant has not been reported in the literature in individuals with PCLO-related conditions. In summary, the available evidence is currently insufficient to determine the role of this variant in disease. Therefore, it has been classified as a Variant of Uncertain Significance. Algorithms developed to predict the effect of sequence changes on RNA splicing suggest that this variant may create or strengthen a splice site, but this prediction has not been confirmed by published transcriptional studies. Algorithms developed to predict the effect of missense changes on protein structure and function are either unavailable or do not agree on the potential impact of this missense change (SIFT: "Tolerated"; PolyPhen-2: "Not Available"; Align-GVGD: "Class C0"). This variant is not present in population databases (ExAC no frequency). This sequence change replaces alanine with glycine at codon 3417 of the PCLO protein (p.Ala3417Gly). The alanine residue is moderately conserved and there is a small physicochemical difference between alanine and glycine.